The following is an entry in ClinVar:

ClinVar aggregate classification (germline): Uncertain significance (1 of 4 stars; one submission).

Conditions:
Singleton-Merten syndrome 1 (SGMRT1). Also called: Widened medullary cavities of bone, aortic calcification, abnormal dentition, and muscular weakness; Syndrome of widened medullary cavities of the metacarpals and phalanges, aortic calcification and abnormal dentition. Identifiers: Orphanet 85191, MedGen C4225427, MONDO:0024535, OMIM 182250.
Aicardi-Goutieres syndrome 7 (AGS7). Identifiers: Orphanet 51, MedGen C3888244, MONDO:0014367, OMIM 615846.

gnomAD v4.1: 1 of 1,607,084 alleles (0.000062%); highest among the groups gnomAD compares: Non-Finnish European, 0.000085%; no homozygotes.

Submission:

Labcorp Genetics (formerly Invitae), Labcorp
Classification: Uncertain significance for Aicardi-Goutieres syndrome 7; Singleton-Merten syndrome 1. Last evaluated: 2022-05-11. Review status: criteria provided, single submitter. Criteria: Invitae Variant Classification Sherloc (09022015). Collection method: clinical testing. Allele origin: germline.
Comment: This sequence change replaces threonine, which is neutral and polar, with serine, which is neutral and polar, at codon 780 of the IFIH1 protein (p.Thr780Ser). This variant is not present in population databases (gnomAD no frequency). This variant has not been reported in the literature in individuals affected with IFIH1-related conditions. Algorithms developed to predict the effect of missense changes on protein structure and function (SIFT, PolyPhen-2, Align-GVGD) all suggest that this variant is likely to be tolerated. In summary, the available evidence is currently insufficient to determine the role of this variant in disease. Therefore, it has been classified as a Variant of Uncertain Significance.

NM_022168.4(IFIH1):c.2339C>G (p.Thr780Ser)

Gene: IFIH1 (interferon induced with helicase C domain 1; minus strand). Cytogenetic location: 2q24.2.
Variant type: single nucleotide variant.
Coding change: c.2339C>G on transcript NM_022168.4 (MANE Select); coding-DNA position 2339, C replaced by G.
Protein change: p.Thr780Ser; replaces threonine 780 with serine.
Molecular consequence: missense variant.
Genome position (GRCh38, 1-based): chr2:162,273,910, G>C on the plus strand (C>G on the coding strand, the complement: IFIH1 is on the minus strand). VCF-style: chr2-162273910-G-C. GRCh37 (hg19) VCF-style: chr2-163130420-G-C.
Other names: short protein forms T780S.
Identifiers: ClinVar variation 2125471 (VCV002125471.4), dbSNP rs1313107807, ClinGen allele CA348996004.
Genomic context (GRCh38, chr2:162,273,910, plus strand): 5'-TCTTTAATATCCAGACCTTCTTCTGCCACTGTGGTAGCGATAAGCAGATTTATTTTTCCA[G>C]TGCGAAATTTACTAATGACTTCTTTTTGTTCATTCTGTAGAAACATTTTAATAAATTAAA-3'
Protein context (NP_071451.2, residues 770-790): EQKEVISKFR[Thr780Ser]GKINLLIATT